The following is an entry in ClinVar:

ClinVar aggregate classification (germline): Likely pathogenic (1 of 4 stars; one submission).

Conditions:
Dilated cardiomyopathy 1G (CMD1G). Identifiers: Orphanet 154, MedGen C1858763, MONDO:0011400, OMIM 604145.

Submission:

3billion
Classification: Likely pathogenic for Dilated cardiomyopathy 1G. Last evaluated: 2024-10-25. Review status: criteria provided, single submitter. Criteria: ACMG Guidelines, 2015. Collection method: clinical testing. Allele origin: germline. Affected: yes.
Comment: The variant is not observed in the gnomAD v4.1.0 dataset. Predicted Consequence/Location: Frameshift: predicted to result in a loss or disruption of normal protein function through nonsense-mediated decay (NMD) or protein truncation. Multiple pathogenic variants are reported downstream of the variant. Therefore, this variant is classified as Likely pathogenic according to the recommendation of ACMG/AMP guideline.

NM_001267550.2(TTN):c.67103_67104del (p.Lys22368fs)

Genes: TTN (titin; minus strand), TTN-AS1 (TTN antisense RNA 1; plus strand). Cytogenetic location: 2q31.2.
Variant type: Deletion.
Coding change: c.67103_67104del on transcript NM_001267550.2 (MANE Select); coding-DNA positions 67103 to 67104, 2 bases deleted (AA; older notation c.67103_67104delAA).
Protein change: p.Lys22368fs; shifts the reading frame from lysine 22368.
Molecular consequence: frameshift variant.
Genome position (GRCh38, 1-based): chr2:178,580,183-178,580,184, TT deleted on the plus strand (AA on the coding strand, the reverse complement: TTN is on the minus strand); deleting any 2 consecutive bases within chr2:178,580,183-178,580,185 gives the same sequence; the c. name uses the placement nearest the transcript's 3' end. VCF-style (leftmost placement, unchanged base first): chr2-178580182-CTT-C. GRCh37 (hg19) VCF-style: chr2-179444909-CTT-C.
Other names: c.62180_62181del, p.Lys20727fs (NM_001256850.1); c.39908_39909del, p.Lys13303fs (NM_003319.4); c.59399_59400del, p.Lys19800fs (NM_133378.4); c.40283_40284del, p.Lys13428fs (NM_133432.3); c.40484_40485del, p.Lys13495fs (NM_133437.4); short protein forms K13303fs, K13428fs, K13495fs, K19800fs, K20727fs, K22368fs.
Identifiers: ClinVar variation 4292247 (VCV004292247.1).